The following is an entry in ClinVar:

NM_002049.4(GATA1):c.105dup (p.Ser36fs)

Gene: GATA1 (GATA binding protein 1; plus strand). Cytogenetic location: Xp11.23.
Variant type: Duplication.
Coding change: c.105dup on transcript NM_002049.4 (MANE Select); coding-DNA position 105, one base duplicated (C; older notation c.105dupC).
Protein change: p.Ser36fs; shifts the reading frame from serine 36.
Molecular consequence: frameshift variant.
Genome position (GRCh38, 1-based): chrX:48,791,214, C duplicated; the last of 4 consecutive C bases (chrX:48,791,211-48,791,214); duplicating any one gives the same sequence. VCF-style (leftmost placement, unchanged base first): chrX-48791210-T-TC. GRCh37 (hg19) VCF-style: chrX-48649617-T-TC.
Other names: short protein forms S36fs.
Identifiers: ClinVar variation 1068952 (VCV001068952.7), dbSNP rs1273620943, ClinGen allele CA641902050.
Genomic context (GRCh38, chrX:48,791,210, plus strand): 5'-CCCTCCCCCAGTTTGTGGATCCTGCTCTGGTGTCCTCCACACCAGAATCAGGGGTTTTCT[T>TC]CCCCTCTGGGCCTGAGGGCTTGGATGCAGCAGCTTCCTCCACTGCCCCGAGCACAGCCAC-3'

ClinVar aggregate classification (germline): Pathogenic (1 of 4 stars; one submission).

Conditions:
Diamond-Blackfan anemia. Also called: Blackfan Diamond syndrome; Aregenerative anemia chronic congenital; Red cell aplasia, pure hereditary; Congenital hypoplastic anemia; Aase syndrome. Identifiers: Orphanet 124, MedGen C1260899, MeSH D029503, MONDO:0015253, HP:0004810.
GATA binding protein 1 related thrombocytopenia with dyserythropoiesis. Also called: GATA1-Related Cytopenia; GATA1-Related X-Linked Cytopenia. Identifiers: MedGen C1845837, MONDO:0100089.

Submission:

Labcorp Genetics (formerly Invitae), Labcorp
Classification: Pathogenic for GATA binding protein 1 related thrombocytopenia with dyserythropoiesis; Diamond-Blackfan anemia. Last evaluated: 2020-05-05. Review status: criteria provided, single submitter. Criteria: Invitae Variant Classification Sherloc (09022015). Collection method: clinical testing. Allele origin: germline.
Comment: For these reasons, this variant has been classified as Pathogenic. Loss-of-function variants in GATA1 are known to be pathogenic (PMID: 16783379, 22706301, 23704091, 24453067). This variant has not been reported in the literature in individuals with GATA1-related conditions. This variant is not present in population databases (ExAC no frequency). This sequence change creates a premature translational stop signal (p.Ser36Leufs*4) in the GATA1 gene. It is expected to result in an absent or disrupted protein product.

Literature cited by the submitters: PubMed 16783379; PubMed 22706301; PubMed 23704091; PubMed 24453067.